The following is an entry in ClinVar:

NM_002519.3(NPAT):c.664T>G (p.Leu222Val)

Gene: NPAT (nuclear protein, coactivator of histone transcription; minus strand). Cytogenetic location: 11q22.3.
Variant type: single nucleotide variant.
Coding change: c.664T>G on transcript NM_002519.3 (MANE Select); coding-DNA position 664, T replaced by G.
Protein change: p.Leu222Val; replaces leucine 222 with valine.
Molecular consequence: missense variant.
Genome position (GRCh38, 1-based): chr11:108,186,544, A>C on the plus strand (T>G on the coding strand, the complement: NPAT is on the minus strand). VCF-style: chr11-108186544-A-C. GRCh37 (hg19) VCF-style: chr11-108057271-A-C.
Other names: c.664T>G, p.Leu222Val (NM_001321307.1); short protein forms L222V.
Identifiers: ClinVar variation 3300654 (VCV003300654.3).

ClinVar aggregate classification (germline): Uncertain significance. Review status: criteria provided, multiple submitters, no conflicts (2 of 4 stars). 2 submissions from 2 submitters: Uncertain significance (2). Last evaluated 2024-04-16.

Submissions (2):

Labcorp Genetics (formerly Invitae), Labcorp
Classification: Uncertain significance. Last evaluated: 2024-04-16. Review status: criteria provided, single submitter. Criteria: Invitae Variant Classification Sherloc (09022015). Collection method: clinical testing. Allele origin: germline.
Comment: This sequence change replaces leucine, which is neutral and non-polar, with valine, which is neutral and non-polar, at codon 222 of the NPAT protein (p.Leu222Val). This variant is not present in population databases (gnomAD no frequency). This variant has not been reported in the literature in individuals affected with NPAT-related conditions. An algorithm developed to predict the effect of missense changes on protein structure and function (PolyPhen-2) suggests that this variant is likely to be tolerated. In summary, the available evidence is currently insufficient to determine the role of this variant in disease. Therefore, it has been classified as a Variant of Uncertain Significance.

Ambry Genetics
Classification: Uncertain significance. Last evaluated: 2024-04-01. Review status: criteria provided, single submitter. Criteria: Ambry Variant Classification Scheme 2023. Collection method: clinical testing. Allele origin: germline.
Comment: The p.L222V variant (also known as c.664T>G), located in coding exon 8 of the NPAT gene, results from a T to G substitution at nucleotide position 664. The leucine at codon 222 is replaced by valine, an amino acid with highly similar properties. This amino acid position is conserved. In addition, this alteration is predicted to be tolerated by in silico analysis. Based on the available evidence, the clinical significance of this alteration remains unclear.